The following is an entry in ClinVar:

ClinVar aggregate classification (germline): Conflicting classifications of pathogenicity. Review status: criteria provided, conflicting classifications (1 of 4 stars). 4 submissions from 4 submitters: Uncertain significance (1); Benign (1); Likely benign (1). 1 of the submissions does not count toward it. Last evaluated 2026-01-26.

Conditions:
NAA10-related disorder. Also called: NAA10-related condition; NAA10-related disorders.

Allele frequency attached by ClinVar (database versions not stated): TOPMed 0.00001; gnomAD exomes 0.00002 and 0.00005; ExAC 0.00005; gnomAD 0.00005; ESP Exome Variant Server 0.00009.
gnomAD v4.1: 55 of 1,207,317 alleles (0.0046%); highest among the groups gnomAD compares: Non-Finnish European, 0.0062%; no homozygotes.

Submissions (4):

Labcorp Genetics (formerly Invitae), Labcorp
Classification: Benign. Last evaluated: 2026-01-26. Review status: criteria provided, single submitter. Criteria: Invitae Variant Classification Sherloc (09022015). Collection method: clinical testing. Allele origin: germline.

Blueprint Genetics
Classification: Likely benign. Last evaluated: 2023-03-08. Review status: criteria provided, single submitter. Criteria: ACMG Guidelines, 2015. Collection method: clinical testing. Allele origin: germline.

Eurofins Ntd Llc (ga)
Classification: Uncertain significance. Last evaluated: 2016-07-14. Review status: criteria provided, single submitter. Criteria: EGL Classification Definitions 2015. Collection method: clinical testing. Allele origin: germline. Observed: 1 variant allele, 1 hemizygote.

PreventionGenetics, part of Exact Sciences
Classification: Likely benign for NAA10-related condition. Last evaluated: 2019-07-15. Review status: no assertion criteria provided. Collection method: clinical testing. Allele origin: germline. Not counted in ClinVar's aggregate classification.
Comment: This variant is classified as likely benign based on ACMG/AMP sequence variant interpretation guidelines (Richards et al. 2015 PMID: 25741868, with internal and published modifications).

NM_003491.4(NAA10):c.201G>C (p.Val67=)

Gene: NAA10 (N-alpha-acetyltransferase 10, NatA catalytic subunit; minus strand). Cytogenetic location: Xq28.
Variant type: single nucleotide variant.
Coding change: c.201G>C on transcript NM_003491.4 (MANE Select); coding-DNA position 201, G replaced by C.
Protein change: p.Val67=; no amino-acid change (valine 67 retained).
Molecular consequence: synonymous variant.
Genome position (GRCh38, 1-based): chrX:153,932,563, C>G on the plus strand (G>C on the coding strand, the complement: NAA10 is on the minus strand). VCF-style: chrX-153932563-C-G. GRCh37 (hg19) VCF-style: chrX-153198016-C-G.
Other names: c.201G>C (NM_003491.3); c.201G>C, p.Val67= (NM_001256119.2); c.183G>C, p.Val61= (NM_001256120.2).
Identifiers: ClinVar variation 289285 (VCV000289285.15), dbSNP rs375971315, ClinGen allele CA10556213.
Genomic context (GRCh38, chrX:153,932,563, plus strand): 5'-CACCCCCACCAGAGAGCCTGGGTGGACCTTACATACCAATGAGGTGATATGTCCATGGGG[C>G]ACATCATCTGGGTCCTCTTCCCTGGAGAGGGAGAAAGGAGAGGCTGCAAAGGAGCTCAGT-3'
Protein context (NP_003482.1, residues 57-77): LAKMEEDPDD[Val67=]PHGHITSLAV